The following is an entry in ClinVar:

NM_001042472.3(ABHD12):c.317-2A>G

Gene: ABHD12 (abhydrolase domain containing 12, lysophospholipase; minus strand). Cytogenetic location: 20p11.21.
Variant type: single nucleotide variant.
Coding change: c.317-2A>G on transcript NM_001042472.3 (MANE Select); the canonical splice acceptor site of the intron before coding-DNA position 317, A replaced by G.
Molecular consequence: splice acceptor variant.
Genome position (GRCh38, 1-based): chr20:25,323,432, T>C on the plus strand (A>G on the coding strand, the complement: ABHD12 is on the minus strand). VCF-style: chr20-25323432-T-C. GRCh37 (hg19) VCF-style: chr20-25304068-T-C.
Other names: c.317-2A>G (NM_015600.5).
Identifiers: ClinVar variation 4728929 (VCV004728929.1).

ClinVar aggregate classification (germline): Likely pathogenic (1 of 4 stars; one submission).

Submission:

Labcorp Genetics (formerly Invitae), Labcorp
Classification: Likely pathogenic. Last evaluated: 2025-10-10. Review status: criteria provided, single submitter. Criteria: Invitae Variant Classification Sherloc (09022015). Collection method: clinical testing. Allele origin: germline.
Comment: This sequence change affects an acceptor splice site in intron 2 of the ABHD12 gene. It is expected to disrupt RNA splicing. Variants that disrupt the donor or acceptor splice site typically lead to a loss of protein function (PMID: 16199547), and loss-of-function variants in ABHD12 are known to be pathogenic (PMID: 20797687). This variant is not present in population databases (gnomAD no frequency). This variant has not been reported in the literature in individuals affected with ABHD12-related conditions. Algorithms developed to predict the effect of sequence changes on RNA splicing suggest that this variant may disrupt the consensus splice site. In summary, the currently available evidence indicates that the variant is pathogenic, but additional data are needed to prove that conclusively. Therefore, this variant has been classified as Likely Pathogenic.

Literature cited by the submitters: PubMed 16199547; PubMed 20797687.